The following is an entry in ClinVar:

ClinVar aggregate classification (germline): Uncertain significance. Review status: criteria provided, multiple submitters, no conflicts (2 of 4 stars). 2 submissions from 2 submitters: Uncertain significance (2). Last evaluated 2024-11-20.

Conditions:
Cystinuria (CSNU). Also called: CYSTINURIA, TYPE I; CYSTINURIA, TYPE II; CYSTINURIA, TYPE III; Cystinuria, non-type I. Identifiers: Orphanet 214, MedGen C0010691, MONDO:0009067, OMIM 220100, HP:0003131.
SLC3A1-related disorder. Also called: SLC3A1-related condition.

gnomAD v4.1: 54 of 1,614,152 alleles (0.0033%); highest among the groups gnomAD compares: South Asian, 0.037%; no homozygotes.

Submissions (2):

PreventionGenetics, part of Exact Sciences
Classification: Uncertain significance for SLC3A1-related condition. Last evaluated: 2024-11-20. Review status: criteria provided, single submitter. Criteria: ACMG Guidelines, 2015. Collection method: clinical testing. Allele origin: germline.
Comment: The SLC3A1 c.34G>A variant is predicted to result in the amino acid substitution p.Glu12Lys. To our knowledge, this variant has not been reported in the literature. This variant is reported in 0.049% of alleles in individuals of South Asian descent in gnomAD. At this time, the clinical significance of this variant is uncertain due to the absence of conclusive functional and genetic evidence.

Fulgent Genetics
Classification: Uncertain significance for Cystinuria. Last evaluated: 2024-05-13. Review status: criteria provided, single submitter. Criteria: ACMG Guidelines, 2015. Collection method: clinical testing. Allele origin: germline.

NM_000341.4(SLC3A1):c.34G>A (p.Glu12Lys)

Gene: SLC3A1 (solute carrier family 3 member 1; plus strand). Cytogenetic location: 2p21.
Variant type: single nucleotide variant.
Coding change: c.34G>A on transcript NM_000341.4 (MANE Select); coding-DNA position 34, G replaced by A.
Protein change: p.Glu12Lys; replaces glutamic acid 12 with lysine.
Molecular consequence: missense variant.
Genome position (GRCh38, 1-based): chr2:44,275,569, G>A. VCF-style: chr2-44275569-G-A. GRCh37 (hg19) VCF-style: chr2-44502708-G-A.
Other names: c.34G>A (NM_000341.3); short protein forms E12K.
Identifiers: ClinVar variation 3586599 (VCV003586599.2).
Genomic context (GRCh38, chr2:44,275,569, plus strand): 5'-CACTCCGAAGACATAAGTCGGTGAGACATGGCTGAAGATAAAAGCAAGAGAGACTCCATC[G>A]AGATGAGTATGAAGGGATGCCAGACAAACAACGGGTTTGTCCATAATGAAGACATTCTGG-3'
Protein context (NP_000332.2, residues 2-22): AEDKSKRDSI[Glu12Lys]MSMKGCQTNN